The following is an entry in ClinVar:

NM_000238.4(KCNH2):c.1883del (p.Gly628fs)

Gene: KCNH2 (potassium voltage-gated channel subfamily H member 2; minus strand). Cytogenetic location: 7q36.1.
Variant type: Deletion.
Coding change: c.1883del on transcript NM_000238.4 (MANE Select); coding-DNA position 1883, one base deleted (G; older notation c.1883delG).
Protein change: p.Gly628fs; shifts the reading frame from glycine 628.
Molecular consequence: frameshift variant.
Genome position (GRCh38, 1-based): chr7:150,951,510, C deleted on the plus strand (G on the coding strand, the reverse complement: KCNH2 is on the minus strand); the first of 2 consecutive C bases (chr7:150,951,510-150,951,511); deleting either gives the same sequence. VCF-style (leftmost placement, unchanged base first): chr7-150951509-GC-G. GRCh37 (hg19) VCF-style: chr7-150648597-GC-G.
Other names: c.863del, p.Gly288fs (NM_001204798.2, NM_172057.3); c.1594delG, p.Gly532Alafs (NM_001406753.1, NM_001406756.1); c.1705delG, p.Gly569Alafs (NM_001406755.1); c.1582delG, p.Gly528Alafs (NM_001406757.1); c.1882delG, p.Gly628Alafs (NM_172056.3); short protein forms G288fs, G628fs.
Identifiers: ClinVar variation 419410 (VCV000419410.4), dbSNP rs1064793855, ClinGen allele CA16618408.

ClinVar aggregate classification (germline): Pathogenic (1 of 4 stars; one submission).

Submission:

GeneDx
Classification: Pathogenic. Last evaluated: 2015-07-07. Review status: criteria provided, single submitter. Criteria: GeneDx Variant Classification (06012015). Collection method: clinical testing. Allele origin: germline. Affected: yes.
Comment: Although the c.1883delG deletion in the KCNH2 gene has not been reported to our knowledge, thisvariant causes a shift in reading frame starting at codon Glycine 628, changing it to an Alanine, andcreating a premature stop codon at position 86 of the new reading frame, denoted p.Gly628AlafsX86. Thisdeletion is expected to result in either an abnormal, truncated protein product or loss of protein from thisallele through nonsense-mediated mRNA decay. Other frameshift variants in the KCNH2 gene havebeen reported in HGMD in association with LQTS (Stenson P et al., 2014). Furthermore, the c.1883delGvariant was not observed in approximately 6,500 individuals of European and African American ancestryin the NHLBI Exome Sequencing Project, indicating it is not a common benign variant in these populations.In summary, c.1883delG in the KCNH2 gene is interpreted as a pathogenic variant.